The following is an entry in ClinVar:

NM_032447.5(FBN3):c.6322C>G (p.Arg2108Gly)

Gene: FBN3 (fibrillin 3; minus strand). Cytogenetic location: 19p13.2.
Variant type: single nucleotide variant.
Coding change: c.6322C>G on transcript NM_032447.5 (MANE Select); coding-DNA position 6322, C replaced by G.
Protein change: p.Arg2108Gly; replaces arginine 2108 with glycine.
Molecular consequence: missense variant.
Genome position (GRCh38, 1-based): chr19:8,089,599, G>C on the plus strand (C>G on the coding strand, the complement: FBN3 is on the minus strand). VCF-style: chr19-8089599-G-C. GRCh37 (hg19) VCF-style: chr19-8154483-G-C.
Other names: c.6322C>G, p.Arg2108Gly (NM_001321431.2); short protein forms R2108G.
Identifiers: ClinVar variation 3619774 (VCV003619774.2).

ClinVar aggregate classification (germline): Uncertain significance (1 of 4 stars; one submission).

Submission:

Labcorp Genetics (formerly Invitae), Labcorp
Classification: Uncertain significance. Last evaluated: 2024-04-02. Review status: criteria provided, single submitter. Criteria: Invitae Variant Classification Sherloc (09022015). Collection method: clinical testing. Allele origin: germline.
Comment: This sequence change replaces arginine, which is basic and polar, with glycine, which is neutral and non-polar, at codon 2108 of the FBN3 protein (p.Arg2108Gly). This variant is not present in population databases (gnomAD no frequency). This variant has not been reported in the literature in individuals affected with FBN3-related conditions. Advanced modeling of protein sequence and biophysical properties (such as structural, functional, and spatial information, amino acid conservation, physicochemical variation, residue mobility, and thermodynamic stability) performed at Invitae indicates that this missense variant is expected to disrupt FBN3 protein function with a positive predictive value of 80%. In summary, the available evidence is currently insufficient to determine the role of this variant in disease. Therefore, it has been classified as a Variant of Uncertain Significance.